The following is an entry in ClinVar:

ClinVar aggregate classification (germline): Uncertain significance. Review status: criteria provided, multiple submitters, no conflicts (2 of 4 stars). 2 submissions from 2 submitters: Uncertain significance (2). Last evaluated 2022-12-05.

Conditions:
Dilated cardiomyopathy 1AA (CMD1AA). Also called: CARDIOMYOPATHY, DILATED, 1AA, WITH OR WITHOUT LEFT VENTRICULAR NONCOMPACTION; CARDIOMYOPATHY, FAMILIAL HYPERTROPHIC, 23, WITH OR WITHOUT LEFT VENTRICULAR NONCOMPACTION; Cardiomyopathy, dilated, 1AA, with or without LVNC. Identifiers: Orphanet 154, MedGen C2677338, MONDO:0012808, OMIM 612158.
Primary familial hypertrophic cardiomyopathy (HCM). Identifiers: Orphanet 99739, MedGen C0949658, MeSH D024741, MONDO:0024573. Inheritance: Various modes of inheritance.

Allele frequency attached by ClinVar (database versions not stated): ExAC 0.00001.

Submissions (2):

Labcorp Genetics (formerly Invitae), Labcorp
Classification: Uncertain significance for Primary familial hypertrophic cardiomyopathy; Dilated cardiomyopathy 1AA. Last evaluated: 2022-12-05. Review status: criteria provided, single submitter. Criteria: Invitae Variant Classification Sherloc (09022015). Collection method: clinical testing. Allele origin: germline.
Comment: In summary, the available evidence is currently insufficient to determine the role of this variant in disease. Therefore, it has been classified as a Variant of Uncertain Significance. Advanced modeling of protein sequence and biophysical properties (such as structural, functional, and spatial information, amino acid conservation, physicochemical variation, residue mobility, and thermodynamic stability) performed at Invitae indicates that this missense variant is not expected to disrupt ACTN2 protein function. ClinVar contains an entry for this variant (Variation ID: 1710691). This variant has not been reported in the literature in individuals affected with ACTN2-related conditions. This variant is not present in population databases (gnomAD no frequency). This sequence change replaces aspartic acid, which is acidic and polar, with asparagine, which is neutral and polar, at codon 29 of the ACTN2 protein (p.Asp29Asn).

GeneDx
Classification: Uncertain significance. Last evaluated: 2022-04-15. Review status: criteria provided, single submitter. Criteria: GeneDx Variant Classification Process June 2021. Collection method: clinical testing. Allele origin: germline. Affected: yes.
Comment: Not observed at significant frequency in large population cohorts (gnomAD); In silico analysis supports that this missense variant does not alter protein structure/function; Has not been previously published as pathogenic or benign to our knowledge

NM_001103.4(ACTN2):c.85G>A (p.Asp29Asn)

Gene: ACTN2 (actinin alpha 2; plus strand). Cytogenetic location: 1q43.
Variant type: single nucleotide variant.
Coding change: c.85G>A on transcript NM_001103.4 (MANE Select); coding-DNA position 85, G replaced by A.
Protein change: p.Asp29Asn; replaces aspartic acid 29 with asparagine.
Molecular consequence: missense variant. On other transcripts: 5 prime UTR variant (1).
Genome position (GRCh38, 1-based): chr1:236,686,758, G>A. VCF-style: chr1-236686758-G-A. GRCh37 (hg19) VCF-style: chr1-236850058-G-A.
Other names: c.85G>A, p.Asp29Asn (NM_001278343.2); c.-737G>A (NM_001278344.2); c.-862G>A (NM_001412150.1); short protein forms D29N.
Identifiers: ClinVar variation 1710691 (VCV001710691.3), dbSNP rs750574123, ClinGen allele CA1472702.